The following is an entry in ClinVar:

ClinVar aggregate classification (germline): Benign/Likely benign. Review status: criteria provided, multiple submitters, no conflicts (2 of 4 stars). 4 submissions from 4 submitters: Benign (1); Likely benign (3). Last evaluated 2025-12-25.

Conditions:
Cardiovascular phenotype. Identifiers: MedGen CN230736.

Allele frequency attached by ClinVar (database versions not stated): gnomAD exomes 0.00034; ExAC 0.00041; 1000 Genomes Project 0.00120; gnomAD 0.00135 and 0.00145; 1000 Genomes Project 30x 0.00141; TOPMed 0.00172; ESP Exome Variant Server 0.00192.
gnomAD v4.1: 396 of 1,613,454 alleles (0.025%); highest among the groups gnomAD compares: African/African-American, 0.48%; 1 homozygote.

Submissions (4):

Labcorp Genetics (formerly Invitae), Labcorp
Classification: Benign. Last evaluated: 2025-12-25. Review status: criteria provided, single submitter. Criteria: Invitae Variant Classification Sherloc (09022015). Collection method: clinical testing. Allele origin: germline.

Mayo Clinic Laboratories, Mayo Clinic
Classification: Likely benign. Last evaluated: 2025-12-06. Review status: criteria provided, single submitter. Criteria: ACMG Guidelines, 2015. Collection method: clinical testing. Allele origin: germline. Observed: 1 variant allele.
Comment: BS1, BP4, BP7

Women's Health and Genetics/Laboratory Corporation of America, LabCorp
Classification: Likely benign. Last evaluated: 2023-08-06. Review status: criteria provided, single submitter. Criteria: LabCorp Variant Classification Summary - May 2015. Collection method: clinical testing. Allele origin: germline.

Ambry Genetics
Classification: Likely benign for Cardiovascular phenotype. Last evaluated: 2022-03-23. Review status: criteria provided, single submitter. Criteria: Ambry Variant Classification Scheme 2023. Collection method: clinical testing. Allele origin: germline.

NM_005502.4(ABCA1):c.2730T>C (p.Asp910=)

Gene: ABCA1 (ATP binding cassette subfamily A member 1; minus strand). Cytogenetic location: 9q31.1.
Variant type: single nucleotide variant.
Coding change: c.2730T>C on transcript NM_005502.4 (MANE Select); coding-DNA position 2730, T replaced by C.
Protein change: p.Asp910=; no amino-acid change (aspartic acid 910 retained).
Molecular consequence: synonymous variant.
Genome position (GRCh38, 1-based): chr9:104,822,594, A>G on the plus strand (T>C on the coding strand, the complement: ABCA1 is on the minus strand). VCF-style: chr9-104822594-A-G. GRCh37 (hg19) VCF-style: chr9-107584875-A-G.
Other names: p.Asp910=.
Identifiers: ClinVar variation 716922 (VCV000716922.13), dbSNP rs142473861, ClinGen allele CA5168655.